The following is an entry in ClinVar:

ClinVar aggregate classification (germline): Likely benign. Review status: criteria provided, multiple submitters, no conflicts (2 of 4 stars). 3 submissions from 3 submitters: Likely benign (3). Last evaluated 2026-07-01.

Allele frequency attached by ClinVar (database versions not stated): ExAC 0.00162; gnomAD 0.00399 and 0.00426; ESP Exome Variant Server 0.00415; TOPMed 0.00509; 1000 Genomes Project 0.00519; 1000 Genomes Project 30x 0.00547.
gnomAD v4.1: 1,864 of 1,614,168 alleles (0.12%); highest among the groups gnomAD compares: African/African-American, 1.2%; 10 homozygotes.

Submissions (6):

CeGaT Center for Human Genetics Tuebingen
Classification: Likely benign. Last evaluated: 2026-07-01. Review status: criteria provided, single submitter. Criteria: CeGaT Center For Human Genetics Tuebingen Variant Classification Criteria Version 2. Collection method: clinical testing. Allele origin: germline. Affected: yes. Observed: 2 variant alleles.
Comment: COL1A1: BS1

GeneDx
Classification: Likely benign. Last evaluated: 2018-06-14. Review status: criteria provided, single submitter. Criteria: GeneDx Variant Classification (06012015). Collection method: clinical testing. Allele origin: germline. Affected: yes.
Comment: This variant is considered likely benign or benign based on one or more of the following criteria: it is a conservative change, it occurs at a poorly conserved position in the protein, it is predicted to be benign by multiple in silico algorithms, and/or has population frequency not consistent with disease.

Breakthrough Genomics
Classification: Likely benign. Review status: criteria provided, single submitter. Criteria: ACMG Guidelines, 2015. Collection method: not provided. Allele origin: germline. Inheritance: Autosomal dominant inheritance. Affected: yes.

Dr. Peter K. Rogan Lab, Western University
No classification provided (evidence only). Condition: Uterine corpus endometrial carcinoma. Review status: no classification provided. Collection method: in vitro. Allele origin: not applicable. Functional consequence: retained intron. Not counted in ClinVar's aggregate classification.

Dr. Peter K. Rogan Lab, Western University
No classification provided (evidence only). Condition: Sarcoma. Review status: no classification provided. Collection method: in vitro. Allele origin: not applicable. Functional consequence: retained intron. Not counted in ClinVar's aggregate classification.

Dr. Peter K. Rogan Lab, Western University
No classification provided (evidence only). Condition: Malignant tumor of esophagus. Review status: no classification provided. Collection method: in vitro. Allele origin: not applicable. Functional consequence: retained intron. Not counted in ClinVar's aggregate classification.

NM_000088.4(COL1A1):c.903+29G>T

Genes: COL1A1 (collagen type I alpha 1 chain; minus strand), LOC126862586 (CDK7 strongly-dependent group 2 enhancer GRCh37_chr17:48273702-48274901; plus strand). Cytogenetic location: 17q21.33.
Variant type: single nucleotide variant.
Coding change: c.903+29G>T on transcript NM_000088.4 (MANE Select); 29 bases into the intron after coding-DNA position 903, G replaced by T.
Molecular consequence: intron variant.
Genome position (GRCh38, 1-based): chr17:50,196,455, C>A on the plus strand (G>T on the coding strand, the complement: COL1A1 is on the minus strand). VCF-style: chr17-50196455-C-A. GRCh37 (hg19) VCF-style: chr17-48273816-C-A.
Other names: NC_000017.10:g.48273816C>A.
Identifiers: ClinVar variation 681133 (VCV000681133.5), dbSNP rs79768153, ClinGen allele CA8645503.